The following is an entry in ClinVar:

NM_005664.4(MKRN3):c.765G>A (p.Gly255=)

Gene: MKRN3 (makorin ring finger protein 3; plus strand). Cytogenetic location: 15q11.2.
Variant type: single nucleotide variant.
Coding change: c.765G>A on transcript NM_005664.4 (MANE Select); coding-DNA position 765, G replaced by A.
Protein change: p.Gly255=; no amino-acid change (glycine 255 retained).
Molecular consequence: synonymous variant.
Genome position (GRCh38, 1-based): chr15:23,566,547, G>A. VCF-style: chr15-23566547-G-A. GRCh37 (hg19) VCF-style: chr15-23811694-G-A.
Identifiers: ClinVar variation 4822439 (VCV004822439.4).

ClinVar aggregate classification (germline): Likely benign (1 of 4 stars; one submission).

gnomAD v4.1: 1 of 1,614,170 alleles (0.000062%); highest among the groups gnomAD compares: Middle Eastern, 0.016%; no homozygotes.

Submission:

CeGaT Center for Human Genetics Tuebingen
Classification: Likely benign. Last evaluated: 2026-01-01. Review status: criteria provided, single submitter. Criteria: CeGaT Center For Human Genetics Tuebingen Variant Classification Criteria Version 2. Collection method: clinical testing. Allele origin: germline. Affected: yes. Observed: 1 variant allele.
Comment: MKRN3: BP4, BP7